The following is an entry in ClinVar:

NM_014754.3(PTDSS1):c.409C>T (p.Leu137Phe)

Gene: PTDSS1 (phosphatidylserine synthase 1; plus strand). Cytogenetic location: 8q22.1.
Variant type: single nucleotide variant.
Coding change: c.409C>T on transcript NM_014754.3 (MANE Select); coding-DNA position 409, C replaced by T.
Protein change: p.Leu137Phe; replaces leucine 137 with phenylalanine.
Molecular consequence: missense variant. On other transcripts: intron variant (1).
Genome position (GRCh38, 1-based): chr8:96,287,114, C>T. VCF-style: chr8-96287114-C-T. GRCh37 (hg19) VCF-style: chr8-97299342-C-T.
Other names: c.4-7984C>T (NM_001290225.2); short protein forms L137F.
Identifiers: ClinVar variation 870213 (VCV000870213.1), dbSNP rs1810833573, ClinGen allele CA371754487.

ClinVar aggregate classification (germline): Uncertain significance (1 of 4 stars; one submission).

Submission:

GeneDx
Classification: Uncertain significance. Last evaluated: 2020-03-05. Review status: criteria provided, single submitter. Criteria: GeneDx Variant Classification (06012015). Collection method: clinical testing. Allele origin: germline. Affected: yes.
Comment: Not observed in large population cohorts (Lek et al., 2016) In silico analysis supports that this missense variant has a deleterious effect on protein structure/function Has not been previously published as pathogenic or benign to our knowledge